The following is an entry in ClinVar:

ClinVar aggregate classification (germline): Uncertain significance (1 of 4 stars; one submission).

Conditions:
Hereditary cancer-predisposing syndrome. Also called: Tumor predisposition; Hereditary Cancer Syndrome; Hereditary neoplastic syndrome; Neoplastic Syndromes, Hereditary. Identifiers: Orphanet 140162, MedGen C0027672, MeSH D009386, MONDO:0015356.

Submission:

Ambry Genetics
Classification: Uncertain significance for Hereditary cancer-predisposing syndrome. Last evaluated: 2023-07-26. Review status: criteria provided, single submitter. Criteria: Ambry Variant Classification Scheme 2023. Collection method: clinical testing. Allele origin: germline.
Comment: The p.D153H variant (also known as c.457G>C), located in coding exon 4 of the BRIP1 gene, results from a G to C substitution at nucleotide position 457. The aspartic acid at codon 153 is replaced by histidine, an amino acid with similar properties. This amino acid position is conserved. In addition, this alteration is predicted to be deleterious by in silico analysis. Since supporting evidence is limited at this time, the clinical significance of this alteration remains unclear.

NM_032043.3(BRIP1):c.457G>C (p.Asp153His)

Gene: BRIP1 (BRCA1 interacting DNA helicase 1; minus strand). Cytogenetic location: 17q23.2.
Variant type: single nucleotide variant.
Coding change: c.457G>C on transcript NM_032043.3 (MANE Select); coding-DNA position 457, G replaced by C.
Protein change: p.Asp153His; replaces aspartic acid 153 with histidine.
Molecular consequence: missense variant.
Genome position (GRCh38, 1-based): chr17:61,849,179, C>G on the plus strand (G>C on the coding strand, the complement: BRIP1 is on the minus strand). VCF-style: chr17-61849179-C-G. GRCh37 (hg19) VCF-style: chr17-59926540-C-G.
Other names: short protein forms D153H.
Identifiers: ClinVar variation 2624594 (VCV002624594.2), dbSNP rs772695469, ClinGen allele CA400484452.
Genomic context (GRCh38, chr17:61,849,179, plus strand): 5'-CTCTGTTTACCTGCTGTGTAGTTTCTAAGGGTCGAATTCTTTTCTTCTCTACTTGAAAAT[C>G]ATCATTTTCATCTCTGTATATGGATGCCTGTTTCTTAGCAGATAACTTTGCAGCCAGAGT-3'
Protein context (NP_114432.2, residues 143-163): QASIYRDEND[Asp153His]FQVEKKRIRP